The following is an entry in ClinVar:

ClinVar aggregate classification (germline): Benign. Review status: criteria provided, multiple submitters, no conflicts (2 of 4 stars). 8 submissions from 7 submitters: Benign (7). 1 of the submissions does not count toward it. Last evaluated 2026-02-01.

Conditions:
Emery-Dreifuss muscular dystrophy 4, autosomal dominant (EDMD4). Also called: EMERY-DREIFUSS MUSCULAR DYSTROPHY 4 WITH VARIABLE FEATURES. Identifiers: Orphanet 261, MedGen C2751807, MONDO:0013071, OMIM 612998.
Autosomal recessive ataxia, Beauce type. Also called: SYNE1-Related Autosomal Recessive Cerebellar Ataxia; ATAXIA, RECESSIVE, OF BEAUCE; Spinocerebellar ataxia, autosomal recessive 8; SYNE1 Deficiency. Identifiers: Orphanet 88644, MedGen C1853116, MONDO:0012549, OMIM 610743.

Allele frequency attached by ClinVar (database versions not stated): gnomAD exomes 0.00877 and 0.02314; gnomAD 0.09596 and 0.08971; 1000 Genomes Project 0.09964; 1000 Genomes Project 30x 0.10337; TOPMed 0.10218; ExAC 0.02892; ESP Exome Variant Server 0.10080.
gnomAD v4.1: 27,098 of 1,613,612 alleles (1.7%); highest among the groups gnomAD compares: African/African-American, 31%; 3,926 homozygotes.

Submissions (8):

Labcorp Genetics (formerly Invitae), Labcorp
Classification: Benign for Emery-Dreifuss muscular dystrophy 4, autosomal dominant; Autosomal recessive ataxia, Beauce type. Last evaluated: 2026-02-01. Review status: criteria provided, single submitter. Criteria: Invitae Variant Classification Sherloc (09022015). Collection method: clinical testing. Allele origin: germline.

Athena Diagnostics
Classification: Benign. Last evaluated: 2018-12-18. Review status: criteria provided, single submitter. Criteria: Athena Diagnostics Criteria. Collection method: clinical testing. Allele origin: germline.

Illumina Laboratory Services, Illumina
Classification: Benign for Emery-Dreifuss muscular dystrophy 4, autosomal dominant. Last evaluated: 2018-01-12. Review status: criteria provided, single submitter. Criteria: ICSL Variant Classification Criteria 13 December 2019. Collection method: clinical testing. Allele origin: germline.
Comment: This variant was observed in the ICSL laboratory as part of a predisposition screen in an ostensibly healthy population. It had not been previously curated by ICSL or reported in the Human Gene Mutation Database (HGMD: prior to June 1st, 2018), and was therefore a candidate for classification through an automated scoring system. Utilizing variant allele frequency, disease prevalence and penetrance estimates, and inheritance mode, an automated score was calculated to assess if this variant is too frequent to cause the disease. Based on the score and internal cut-off values, a variant classified as benign is not then subjected to further curation. The score for this variant resulted in a classification of benign for this disease.

Illumina Laboratory Services, Illumina
Classification: Benign for Autosomal recessive ataxia, Beauce type. Last evaluated: 2018-01-12. Review status: criteria provided, single submitter. Criteria: ICSL Variant Classification Criteria 13 December 2019. Collection method: clinical testing. Allele origin: germline.
Comment: the same text as in the submission from Illumina Laboratory Services, Illumina above.

Mayo Clinic Laboratories, Mayo Clinic
Classification: Benign. Last evaluated: 2017-10-11. Review status: criteria provided, single submitter. Criteria: ACMG Guidelines, 2015. Collection method: clinical testing. Allele origin: germline. Observed: 63 variant alleles.

GeneDx
Classification: Benign. Last evaluated: 2016-02-16. Review status: criteria provided, single submitter. Criteria: GeneDx Variant Classification (06012015). Collection method: clinical testing. Allele origin: germline. Affected: yes.
Comment: This variant is considered likely benign or benign based on one or more of the following criteria: it is a conservative change, it occurs at a poorly conserved position in the protein, it is predicted to be benign by multiple in silico algorithms, and/or has population frequency not consistent with disease.

PreventionGenetics, part of Exact Sciences
Classification: Benign. Review status: criteria provided, single submitter. Criteria: ACMG Guidelines, 2015. Collection method: clinical testing. Allele origin: germline.

Genetic Services Laboratory, University of Chicago
Classification: Likely benign for AllHighlyPenetrant. Review status: no assertion criteria provided. Collection method: clinical testing. Allele origin: germline. Inheritance: Autosomal dominant inheritance. Not counted in ClinVar's aggregate classification.
Comment: Likely benign based on allele frequency in 1000 Genomes Project or ESP global frequency and its presence in a patient with a rare or unrelated disease phenotype. NOT Sanger confirmed.

NM_182961.4(SYNE1):c.8177+9C>T

Gene: SYNE1 (spectrin repeat containing nuclear envelope protein 1; minus strand). Cytogenetic location: 6q25.2.
Variant type: single nucleotide variant.
Coding change: c.8177+9C>T on transcript NM_182961.4 (MANE Select); 9 bases into the intron after coding-DNA position 8177, C replaced by T.
Molecular consequence: intron variant.
Genome position (GRCh38, 1-based): chr6:152,390,271, G>A on the plus strand (C>T on the coding strand, the complement: SYNE1 is on the minus strand). VCF-style: chr6-152390271-G-A. GRCh37 (hg19) VCF-style: chr6-152711406-G-A.
Other names: p.?; c.8198+9C>T (NM_033071.5).
Identifiers: ClinVar variation 130450 (VCV000130450.21), dbSNP rs56877632, ClinGen allele CA155489.